The following is an entry in ClinVar:

NM_000052.7(ATP7A):c.1030A>G (p.Arg344Gly)

Gene: ATP7A (ATPase copper transporting alpha; plus strand). Cytogenetic location: Xq21.1.
Variant type: single nucleotide variant.
Coding change: c.1030A>G on transcript NM_000052.7 (MANE Select); coding-DNA position 1030, A replaced by G.
Protein change: p.Arg344Gly; replaces arginine 344 with glycine.
Molecular consequence: missense variant.
Genome position (GRCh38, 1-based): chrX:77,989,652, A>G. VCF-style: chrX-77989652-A-G. GRCh37 (hg19) VCF-style: chrX-77245148-A-G.
Other names: c.1030A>G, p.Arg344Gly (NM_001282224.2); short protein forms R344G.
Identifiers: ClinVar variation 391862 (VCV000391862.14), dbSNP rs782196306, ClinGen allele CA10458986.

ClinVar aggregate classification (germline): Conflicting classifications of pathogenicity. Review status: criteria provided, conflicting classifications (1 of 4 stars). 3 submissions from 3 submitters: Uncertain significance (2); Benign (1). Last evaluated 2025-12-01.

Conditions:
Cutis laxa, X-linked (OHS). Also called: EDS IX; Occipital horn syndrome. Identifiers: Orphanet 198, MedGen C0268353, MONDO:0010572, OMIM 304150.
Menkes kinky-hair syndrome (MNK). Also called: Copper transport disease; Menkes Disease; Classic Menkes Disease. Identifiers: Orphanet 565, MedGen C0022716, MONDO:0010651, OMIM 309400.
X-linked distal spinal muscular atrophy type 3. Also called: ATP7A-Related Distal Motor Neuropathy; NEURONOPATHY, DISTAL HEREDITARY MOTOR, X-LINKED; NEUROPATHY, DISTAL HEREDITARY MOTOR, X-LINKED; SPINAL MUSCULAR ATROPHY, DISTAL, X-LINKED RECESSIVE. Identifiers: Orphanet 139557, MedGen C1845359, MONDO:0010338, OMIM 300489.

Allele frequency attached by ClinVar (database versions not stated): gnomAD exomes 0.00008 and 0.00005; ExAC 0.00011; 1000 Genomes Project 30x 0.00021; 1000 Genomes Project 0.00026; TOPMed 0.00002; gnomAD 0.00003.
gnomAD v4.1: 61 of 1,209,770 alleles (0.005%); highest among the groups gnomAD compares: East Asian, 0.18%; no homozygotes.

Submissions (3):

Labcorp Genetics (formerly Invitae), Labcorp
Classification: Benign for X-linked distal spinal muscular atrophy type 3; Cutis laxa, X-linked; Menkes kinky-hair syndrome. Last evaluated: 2025-12-01. Review status: criteria provided, single submitter. Criteria: Invitae Variant Classification Sherloc (09022015). Collection method: clinical testing. Allele origin: germline.

Women's Health and Genetics/Laboratory Corporation of America, LabCorp
Classification: Uncertain significance. Last evaluated: 2022-08-31. Review status: criteria provided, single submitter. Criteria: LabCorp Variant Classification Summary - May 2015. Collection method: clinical testing. Allele origin: germline.
Comment: Variant summary: ATP7A c.1030A>G (p.Arg344Gly) results in a non-conservative amino acid change located in the Heavy metal associated domain HMA (IPR006121) of the encoded protein sequence. Three of five in-silico tools predict a damaging effect of the variant on protein function. The variant allele was found at a frequency of 7.6e-05 in 183118 control chromosomes, including 3 hemizygotes (gnomAD). This frequency is not higher than expected for a pathogenic variant in ATP7A causing Menkes Kinky-Hair Syndrome (7.6e-05 vs 0.0035), allowing no conclusion about variant significance. c.1030A>G has been reported in the literature in at least one individual affected with Menkes Kinky-Hair Syndrome (Fujisawa_2019). These report(s) do not provide unequivocal conclusions about association of the variant with Menkes Kinky-Hair Syndrome. To our knowledge, no experimental evidence demonstrating an impact on protein function has been reported. Two clinical diagnostic laboratories have submitted clinical-significance assessments for this variant to ClinVar and classified the variant as VUS (n=1) and as benign (n=1). Based on the evidence outlined above, the variant was classified as uncertain significance.

GeneDx
Classification: Uncertain significance. Last evaluated: 2016-12-20. Review status: criteria provided, single submitter. Criteria: GeneDx Variant Classification (06012015). Collection method: clinical testing. Allele origin: germline. Affected: yes.
Comment: R344G was notobserved in approximately 6,500 individuals of European and African American ancestry in the NHLBI ExomeSequencing Project, but was observed in 0.15% of alleles from individuals of East Asian ancestry in the ExomeAggregation Consortium (ExAC). The R344G variant is a non-conservative amino acid substitution, which is likelyto impact secondary protein structure as these residues differ in polarity, charge, size and/or other properties. However,this substitution occurs at a position that is not conserved. In silico analysis is inconsistent in its predictions as towhether or not the variant is damaging to the protein structure/function.Therefore, based on the currently available information, it is unclear whether this X-linked variant is pathogenic orrare benign. This result cannot be interpreted for diagnosis or used for family member screening at this time.

Literature cited by the submitters: PubMed 20045993 (cited by Women's Health and Genetics/Laboratory Corporation of America, LabCorp); PubMed 30809870 (cited by Women's Health and Genetics/Laboratory Corporation of America, LabCorp).